The following is an entry in ClinVar:

NM_002029.4(FPR1):c.133G>A (p.Gly45Arg)

Gene: FPR1 (formyl peptide receptor 1; minus strand). Cytogenetic location: 19q13.41.
Variant type: single nucleotide variant.
Coding change: c.133G>A on transcript NM_002029.4 (MANE Select); coding-DNA position 133, G replaced by A.
Protein change: p.Gly45Arg; replaces glycine 45 with arginine.
Molecular consequence: missense variant.
Genome position (GRCh38, 1-based): chr19:51,746,862, C>T on the plus strand (G>A on the coding strand, the complement: FPR1 is on the minus strand). VCF-style: chr19-51746862-C-T. GRCh37 (hg19) VCF-style: chr19-52250115-C-T.
Other names: c.133G>A, p.Gly45Arg (NM_001193306.2); short protein forms G45R.
Identifiers: ClinVar variation 2418855 (VCV002418855.5), dbSNP rs754359145, ClinGen allele CA9616524.

ClinVar aggregate classification (germline): Uncertain significance (1 of 4 stars; one submission).

Conditions:
Gingival disorder. Also called: Gingival disease. Identifiers: MedGen C0017563, MONDO:0002021.

Allele frequency attached by ClinVar (database versions not stated): gnomAD exomes below 0.00001; ExAC 0.00001.
gnomAD v4.1: 7 of 1,613,966 alleles (0.00043%); highest among the groups gnomAD compares: Non-Finnish European, 0.00059%; no homozygotes.

Submission:

Labcorp Genetics (formerly Invitae), Labcorp
Classification: Uncertain significance for Gingival disorder. Last evaluated: 2025-02-08. Review status: criteria provided, single submitter. Criteria: Invitae Variant Classification Sherloc (09022015). Collection method: clinical testing. Allele origin: germline.
Comment: This sequence change replaces glycine, which is neutral and non-polar, with arginine, which is basic and polar, at codon 45 of the FPR1 protein (p.Gly45Arg). This variant is present in population databases (rs754359145, gnomAD 0.0009%). This variant has not been reported in the literature in individuals affected with FPR1-related conditions. ClinVar contains an entry for this variant (Variation ID: 2418855). An algorithm developed to predict the effect of missense changes on protein structure and function (PolyPhen-2) suggests that this variant is likely to be disruptive. In summary, the available evidence is currently insufficient to determine the role of this variant in disease. Therefore, it has been classified as a Variant of Uncertain Significance.